The following is an entry in ClinVar:

NM_138927.4(SON):c.5864GCCGCA[3] (p.Ser1957_Arg1958dup)

Gene: SON (SON DNA and RNA binding protein; plus strand). Cytogenetic location: 21q22.11.
Variant type: Microsatellite.
Coding change: c.5864GCCGCA[3] on transcript NM_138927.4 (MANE Select); three copies in a row of the 6-base unit GCCGCA starting at c.5864; the reference has two copies in a row; one copy, 6 bases duplicated.
Protein change: p.Ser1957_Arg1958dup.
Molecular consequence: inframe insertion. On other transcripts: non-coding transcript variant (1), intron variant (1).
Genome position (GRCh38, 1-based): chr21:33,555,101-33,555,106, GCCGCA duplicated; duplicating any 6 consecutive bases within chr21:33,555,095-33,555,106 gives the same sequence; the position shown is the placement nearest the transcript's 3' end. VCF-style (leftmost placement, unchanged base first): chr21-33555094-C-CGCCGCA. GRCh37 (hg19) VCF-style: chr21-34927400-C-CGCCGCA.
Other names: c.5864GCCGCA[3], p.Ser1957_Arg1958dup (NM_001291411.2, NM_032195.3); c.245-2061GCCGCA[3] (NM_001291412.3).
Identifiers: ClinVar variation 1493208 (VCV001493208.6), dbSNP rs2145839796, ClinGen allele CA2580616379.

ClinVar aggregate classification (germline): Uncertain significance (1 of 4 stars; one submission).

Submission:

Labcorp Genetics (formerly Invitae), Labcorp
Classification: Uncertain significance. Last evaluated: 2022-07-11. Review status: criteria provided, single submitter. Criteria: Invitae Variant Classification Sherloc (09022015). Collection method: clinical testing. Allele origin: germline.
Comment: Experimental studies and prediction algorithms are not available or were not evaluated, and the functional significance of this variant is currently unknown. In summary, the available evidence is currently insufficient to determine the role of this variant in disease. Therefore, it has been classified as a Variant of Uncertain Significance. This variant has not been reported in the literature in individuals affected with SON-related conditions. This variant is not present in population databases (gnomAD no frequency). This variant, c.5870_5875dup, results in the insertion of 2 amino acid(s) of the SON protein (p.Ser1957_Arg1958dup), but otherwise preserves the integrity of the reading frame.